The following is an entry in ClinVar:

ClinVar aggregate classification (germline): Uncertain significance. Review status: criteria provided, multiple submitters, no conflicts (2 of 4 stars). 3 submissions from 3 submitters: Uncertain significance (3). Last evaluated 2025-11-27.

Conditions:
Progressive sclerosing poliodystrophy (MTDPS4A). Also called: ALPERS DIFFUSE DEGENERATION OF CEREBRAL GRAY MATTER WITH HEPATIC CIRRHOSIS; Alpers-Huttenlocher Syndrome; ALPERS PROGRESSIVE INFANTILE POLIODYSTROPHY; NEURONAL DEGENERATION OF CHILDHOOD WITH LIVER DISEASE, PROGRESSIVE; Mitochondrial DNA Depletion Syndrome 4A; Alpers-Huttenlocher Syndrome (AHS). Identifiers: Orphanet 726, MedGen C0205710, MONDO:0008758, OMIM 203700.

gnomAD v4.1: 1 of 1,612,746 alleles (0.000062%); no homozygotes.

Submissions (3):

Labcorp Genetics (formerly Invitae), Labcorp
Classification: Uncertain significance for Progressive sclerosing poliodystrophy. Last evaluated: 2025-11-27. Review status: criteria provided, single submitter. Criteria: Invitae Variant Classification Sherloc (09022015). Collection method: clinical testing. Allele origin: germline.
Comment: This sequence change replaces asparagine, which is neutral and polar, with serine, which is neutral and polar, at codon 72 of the POLG protein (p.Asn72Ser). This variant is not present in population databases (gnomAD no frequency). This variant has not been reported in the literature in individuals affected with POLG-related conditions. ClinVar contains an entry for this variant (Variation ID: 206567). Invitae Evidence Modeling of protein sequence and biophysical properties (such as structural, functional, and spatial information, amino acid conservation, physicochemical variation, residue mobility, and thermodynamic stability) indicates that this missense variant is expected to disrupt POLG protein function with a positive predictive value of 95%. In summary, the available evidence is currently insufficient to determine the role of this variant in disease. Therefore, it has been classified as a Variant of Uncertain Significance.

Eurofins Ntd Llc (ga)
Classification: Uncertain significance. Last evaluated: 2017-11-29. Review status: criteria provided, single submitter. Criteria: EGL Classification Definitions 2015. Collection method: clinical testing. Allele origin: germline. Observed: 1 variant allele, 1 heterozygote.

GeneDx
Classification: Uncertain significance. Last evaluated: 2013-04-24. Review status: criteria provided, single submitter. Criteria: GeneDx Variant Classification (06012015). Collection method: clinical testing. Allele origin: germline. Affected: yes.
Comment: p.Asn72Ser (AAC>AGC): c.215 A>G in exon 2 of the POLG gene (NM_002693.2). The Asn72Ser missense change in the POLG gene has not been published as a mutation, nor has it been reported as a benign polymorphism to our knowledge. It was not observed in approximately 6,500 individuals of European and African American ancestry in the NHLBI Exome Sequencing Project, indicating it is not a common benign variant in these populations. Asn72Ser alters a highly conserved position in the DNA polymerase subunit gamma-1 protein and several in-silico algorithms predict it may be damaging to the structure/function of the protein. However, the amino acid substitution is conservative as both Asparagine and Serine are uncharged, polar amino acid residues. Therefore, based on the currently available information, it is unclear whether Asn72Ser is a disease-causing mutation or a rare benign variant. The variant is found in INFANT-EPI panel(s).

NM_002693.3(POLG):c.215A>G (p.Asn72Ser)

Genes: POLG (DNA polymerase gamma, catalytic subunit; minus strand), POLGARF (POLG alternative reading frame; minus strand). Cytogenetic location: 15q26.1.
Variant type: single nucleotide variant.
Coding change: c.215A>G on transcript NM_002693.3 (MANE Select); coding-DNA position 215, A replaced by G.
Protein change: p.Asn72Ser; replaces asparagine 72 with serine.
Molecular consequence: missense variant.
Genome position (GRCh38, 1-based): chr15:89,333,540, T>C on the plus strand (A>G on the coding strand, the complement: POLG is on the minus strand). VCF-style: chr15-89333540-T-C. GRCh37 (hg19) VCF-style: chr15-89876771-T-C.
Other names: p.N72S:AAC>AGC; c.215A>G, p.Asn72Ser (NM_001126131.2); short protein forms N72S.
Identifiers: ClinVar variation 206567 (VCV000206567.9), dbSNP rs796052897, ClinGen allele CA316778.